The following is an entry in ClinVar:

NM_000219.6(KCNE1):c.247_248delinsAC (p.Glu83Thr)

Gene: KCNE1 (potassium voltage-gated channel subfamily E regulatory subunit 1; minus strand). Cytogenetic location: 21q22.12.
Variant type: Indel.
Coding change: c.247_248delinsAC on transcript NM_000219.6 (MANE Select); coding-DNA positions 247 to 248, GA replaced by AC.
Protein change: p.Glu83Thr; replaces glutamic acid 83 with threonine.
Molecular consequence: missense variant.
Genome position (GRCh38, 1-based): chr21:34,449,387-34,449,388, TC replaced by GT on the plus strand (GA replaced by AC on the coding strand, the reverse complement: KCNE1 is on the minus strand). VCF-style: chr21-34449387-TC-GT. GRCh37 (hg19) VCF-style: chr21-35821685-TC-GT.
Other names: c.247_248delinsAC, p.Glu83Thr (NM_001127668.4, NM_001127669.4, NM_001127670.4 and 4 more transcripts); short protein forms E83T.
Identifiers: ClinVar variation 1791774 (VCV001791774.2), dbSNP rs2516763195, ClinGen allele CA2580098617.

ClinVar aggregate classification (germline): Uncertain significance (1 of 4 stars; one submission).

Conditions:
Cardiovascular phenotype. Identifiers: MedGen CN230736.

Submission:

Ambry Genetics
Classification: Uncertain significance for Cardiovascular phenotype. Last evaluated: 2018-05-09. Review status: criteria provided, single submitter. Criteria: Ambry Variant Classification Scheme 2023. Collection method: clinical testing. Allele origin: germline.
Comment: The c.247_248delGAinsAC variant (also known as p.E83T), located in coding exon 1 of the KCNE1 gene, results from an in-frame deletion of GA and insertion of AC at nucleotide positions 247 to 248. The glutamic acid at codon 83 is replaced by threonine, an amino acid with similar properties. This amino acid position is not well conserved in available vertebrate species. Since supporting evidence is limited at this time, the clinical significance of this alteration remains unclear.